The following is an entry in ClinVar:

ClinVar aggregate classification (germline): Benign/Likely benign. Review status: criteria provided, multiple submitters, no conflicts (2 of 4 stars). 7 submissions from 4 submitters: Benign (5); Likely benign (2). Last evaluated 2026-02-02.

Conditions:
Retinitis pigmentosa (RP). Identifiers: Orphanet 791, MedGen C0035334, MeSH D012174, MONDO:0019200, OMIM 268000. Inheritance: Autosomal dominant, autosomal recessive and X linked inheritance.
Retinal macular dystrophy type 2 (MCDR2). Also called: Bull's eye macular dystrophy. Identifiers: Orphanet 319640, MedGen C4749334, MONDO:0011957, OMIM 608051.
Stargardt disease 4 (STGD4). Identifiers: Orphanet 827, MedGen C1863534, MONDO:0011370, OMIM 603786.
Retinitis pigmentosa 41 (RP41). Also called: RETINAL DEGENERATION, AUTOSOMAL RECESSIVE, PROMININ-RELATED. Identifiers: Orphanet 791, MedGen C2677516, MONDO:0012796, OMIM 612095.
Cone-rod dystrophy 12 (CORD12). Identifiers: Orphanet 1872, MedGen C2675210, MONDO:0012983, OMIM 612657.

Allele frequency attached by ClinVar (database versions not stated): gnomAD exomes 0.00235 and 0.00503; ExAC 0.00592; 1000 Genomes Project 0.01378; ESP Exome Variant Server 0.01528; 1000 Genomes Project 30x 0.01608; gnomAD 0.01667 and 0.01810; TOPMed 0.01917.
gnomAD v4.1: 6,121 of 1,604,414 alleles (0.38%); highest among the groups gnomAD compares: African/African-American, 5.2%; 106 homozygotes.

Submissions (7):

Labcorp Genetics (formerly Invitae), Labcorp
Classification: Benign. Last evaluated: 2026-02-02. Review status: criteria provided, single submitter. Criteria: Invitae Variant Classification Sherloc (09022015). Collection method: clinical testing. Allele origin: germline.

Fulgent Genetics
Classification: Benign for Stargardt disease 4; Retinal macular dystrophy type 2; Retinitis pigmentosa 41; Cone-rod dystrophy 12. Last evaluated: 2022-05-13. Review status: criteria provided, single submitter. Criteria: ACMG Guidelines, 2015. Collection method: clinical testing. Allele origin: unknown.

Illumina Laboratory Services, Illumina
Classification: Benign for Retinal macular dystrophy type 2. Last evaluated: 2018-01-12. Review status: criteria provided, single submitter. Criteria: ICSL Variant Classification Criteria 13 December 2019. Collection method: clinical testing. Allele origin: germline.
Comment: This variant was observed in the ICSL laboratory as part of a predisposition screen in an ostensibly healthy population. It had not been previously curated by ICSL or reported in the Human Gene Mutation Database (HGMD: prior to June 1st, 2018), and was therefore a candidate for classification through an automated scoring system. Utilizing variant allele frequency, disease prevalence and penetrance estimates, and inheritance mode, an automated score was calculated to assess if this variant is too frequent to cause the disease. Based on the score and internal cut-off values, a variant classified as benign is not then subjected to further curation. The score for this variant resulted in a classification of benign for this disease.

Illumina Laboratory Services, Illumina
Classification: Benign for Stargardt disease 4. Last evaluated: 2018-01-12. Review status: criteria provided, single submitter. Criteria: ICSL Variant Classification Criteria 13 December 2019. Collection method: clinical testing. Allele origin: germline.
Comment: the same text as in the submission from Illumina Laboratory Services, Illumina above.

Illumina Laboratory Services, Illumina
Classification: Likely benign for Retinitis pigmentosa. Last evaluated: 2018-01-12. Review status: criteria provided, single submitter. Criteria: ICSL Variant Classification Criteria 13 December 2019. Collection method: clinical testing. Allele origin: germline.
Comment: This variant was observed in the ICSL laboratory as part of a predisposition screen in an ostensibly healthy population. It had not been previously curated by ICSL or reported in the Human Gene Mutation Database (HGMD: prior to June 1st, 2018), and was therefore a candidate for classification through an automated scoring system. Utilizing variant allele frequency, disease prevalence and penetrance estimates, and inheritance mode, an automated score was calculated to assess if this variant is too frequent to cause the disease. Based on the score and internal cut-off values, a variant classified as likely benign is not then subjected to further curation. The score for this variant resulted in a classification of likely benign for this disease.

Illumina Laboratory Services, Illumina
Classification: Benign for Cone-rod dystrophy 12. Last evaluated: 2018-01-12. Review status: criteria provided, single submitter. Criteria: ICSL Variant Classification Criteria 13 December 2019. Collection method: clinical testing. Allele origin: germline.
Comment: the same text as in the submission from Illumina Laboratory Services, Illumina above.

Breakthrough Genomics
Classification: Likely benign. Review status: criteria provided, single submitter. Criteria: ACMG Guidelines, 2015. Collection method: not provided. Allele origin: germline. Inheritance: Autosomal recessive inheritance. Affected: yes.

NM_006017.3(PROM1):c.631-14T>C

Gene: PROM1 (prominin 1; minus strand). Cytogenetic location: 4p15.32.
Variant type: single nucleotide variant.
Coding change: c.631-14T>C on transcript NM_006017.3 (MANE Select); 14 bases into the intron before coding-DNA position 631, T replaced by C.
Molecular consequence: intron variant.
Genome position (GRCh38, 1-based): chr4:16,024,372, A>G on the plus strand (T>C on the coding strand, the complement: PROM1 is on the minus strand). VCF-style: chr4-16024372-A-G. GRCh37 (hg19) VCF-style: chr4-16025995-A-G.
Other names: c.604-14T>C (NM_001145848.2, NM_001145852.2, NM_001145847.2 and 4 more transcripts); c.631-14T>C (NM_001145850.2, NM_001145849.2).
Identifiers: ClinVar variation 348005 (VCV000348005.15), dbSNP rs16892824, ClinGen allele CA2867015.
Genomic context (GRCh38, chr4:16,024,372, plus strand): 5'-GCCTTGTCCTTGGTAGTGTTGTACTGGGCCAATATATATTTGATTTGCTGAAAAAAGAAC[A>G]TTCTGTGAAACCTCCCCTTCTAAGGTCCAAAGGCAATAAGAGGGCAAAAAGAGATTTAAT-3'